The following is an entry in ClinVar:

ClinVar aggregate classification (germline): Uncertain significance (1 of 4 stars; one submission).

Conditions:
Cardiovascular phenotype. Identifiers: MedGen CN230736.

Allele frequency attached by ClinVar (database versions not stated): TOPMed below 0.00001.
gnomAD v4.1: 1 of 1,613,890 alleles (0.000062%); highest among the groups gnomAD compares: African/African-American, 0.0013%; no homozygotes.

Submission:

Ambry Genetics
Classification: Uncertain significance for Cardiovascular phenotype. Last evaluated: 2022-01-17. Review status: criteria provided, single submitter. Criteria: Ambry Variant Classification Scheme 2023. Collection method: clinical testing. Allele origin: germline.
Comment: The p.D472G variant (also known as c.1415A>G), located in coding exon 13 of the ACTN2 gene, results from an A to G substitution at nucleotide position 1415. The aspartic acid at codon 472 is replaced by glycine, an amino acid with similar properties. This amino acid position is conserved. In addition, the in silico prediction for this alteration is inconclusive. Since supporting evidence is limited at this time, the clinical significance of this alteration remains unclear.

NM_001103.4(ACTN2):c.1415A>G (p.Asp472Gly)

Gene: ACTN2 (actinin alpha 2; plus strand). Cytogenetic location: 1q43.
Variant type: single nucleotide variant.
Coding change: c.1415A>G on transcript NM_001103.4 (MANE Select); coding-DNA position 1415, A replaced by G.
Protein change: p.Asp472Gly; replaces aspartic acid 472 with glycine.
Molecular consequence: missense variant.
Genome position (GRCh38, 1-based): chr1:236,747,675, A>G. VCF-style: chr1-236747675-A-G. GRCh37 (hg19) VCF-style: chr1-236910975-A-G.
Other names: c.1415A>G, p.Asp472Gly (NM_001278343.2); c.791A>G, p.Asp264Gly (NM_001278344.2); c.665A>G, p.Asp222Gly (NM_001412150.1); short protein forms D222G, D264G, D472G.
Identifiers: ClinVar variation 1772113 (VCV001772113.2), dbSNP rs763105764, ClinGen allele CA345383727.